The following is an entry in ClinVar:

ClinVar aggregate classification (germline): Uncertain significance. Review status: criteria provided, multiple submitters, no conflicts (2 of 4 stars). 2 submissions from 2 submitters: Uncertain significance (2). Last evaluated 2024-01-31.

Allele frequency attached by ClinVar (database versions not stated): TOPMed 0.00002; gnomAD exomes 0.00003; ExAC 0.00005.
gnomAD v4.1: 17 of 1,597,186 alleles (0.0011%); highest among the groups gnomAD compares: Admixed American, 0.028%; no homozygotes.

Submissions (2):

GeneDx
Classification: Uncertain significance. Last evaluated: 2024-01-31. Review status: criteria provided, single submitter. Criteria: GeneDx Variant Classification Process June 2021. Collection method: clinical testing. Allele origin: germline. Affected: yes.
Comment: See Variant Classification Assertion Criteria.

Labcorp Genetics (formerly Invitae), Labcorp
Classification: Uncertain significance. Last evaluated: 2022-01-12. Review status: criteria provided, single submitter. Criteria: Invitae Variant Classification Sherloc (09022015). Collection method: clinical testing. Allele origin: germline.
Comment: Algorithms developed to predict the effect of missense changes on protein structure and function output the following: SIFT: "Tolerated"; PolyPhen-2: "Not Available"; Align-GVGD: "Class C0". The glutamic acid amino acid residue is found in multiple mammalian species, which suggests that this missense change does not adversely affect protein function. In summary, the available evidence is currently insufficient to determine the role of this variant in disease. Therefore, it has been classified as a Variant of Uncertain Significance. This variant has not been reported in the literature in individuals affected with COX10-related conditions. This variant is present in population databases (rs775089330, gnomAD 0.04%). This sequence change replaces glycine, which is neutral and non-polar, with glutamic acid, which is acidic and polar, at codon 439 of the COX10 protein (p.Gly439Glu).

NM_001303.4(COX10):c.1316G>A (p.Gly439Glu)

Gene: COX10 (cytochrome c oxidase assembly factor heme A:farnesyltransferase COX10; plus strand). Cytogenetic location: 17p12.
Variant type: single nucleotide variant.
Coding change: c.1316G>A on transcript NM_001303.4 (MANE Select); coding-DNA position 1316, G replaced by A.
Protein change: p.Gly439Glu; replaces glycine 439 with glutamic acid.
Molecular consequence: missense variant.
Genome position (GRCh38, 1-based): chr17:14,207,197, G>A. VCF-style: chr17-14207197-G-A. GRCh37 (hg19) VCF-style: chr17-14110514-G-A.
Other names: c.1316G>A (NM_001303.3); short protein forms G439E.
Identifiers: ClinVar variation 2417360 (VCV002417360.5), dbSNP rs775089330, ClinGen allele CA8402611.